The following is an entry in ClinVar:

ClinVar aggregate classification (germline): Uncertain significance (1 of 4 stars; one submission).

Conditions:
Thrombophilia due to protein S deficiency, autosomal recessive (THPH6). Identifiers: Orphanet 743, MedGen C3281092, MONDO:0013791, OMIM 614514. Disease mechanism: loss of function.

Allele frequency attached by ClinVar (database versions not stated): gnomAD 0.00003; TOPMed 0.00003; ExAC 0.00005; gnomAD exomes 0.00005; ESP Exome Variant Server 0.00015.
gnomAD v4.1: 79 of 1,612,310 alleles (0.0049%); highest among the groups gnomAD compares: African/African-American, 0.008%; no homozygotes.

Submission:

Labcorp Genetics (formerly Invitae), Labcorp
Classification: Uncertain significance for Thrombophilia due to protein S deficiency, autosomal recessive. Last evaluated: 2022-07-09. Review status: criteria provided, single submitter. Criteria: Invitae Variant Classification Sherloc (09022015). Collection method: clinical testing. Allele origin: germline.
Comment: This sequence change replaces arginine, which is basic and polar, with cysteine, which is neutral and slightly polar, at codon 445 of the PROS1 protein (p.Arg445Cys). This variant is present in population databases (rs5017719, gnomAD 0.008%). This variant has not been reported in the literature in individuals affected with PROS1-related conditions. Algorithms developed to predict the effect of missense changes on protein structure and function (SIFT, PolyPhen-2, Align-GVGD) all suggest that this variant is likely to be disruptive. Algorithms developed to predict the effect of sequence changes on RNA splicing suggest that this variant may create or strengthen a splice site. In summary, the available evidence is currently insufficient to determine the role of this variant in disease. Therefore, it has been classified as a Variant of Uncertain Significance.

NM_000313.4(PROS1):c.1333C>T (p.Arg445Cys)

Gene: PROS1 (protein S; minus strand). Cytogenetic location: 3q11.1.
Variant type: single nucleotide variant.
Coding change: c.1333C>T on transcript NM_000313.4 (MANE Select); coding-DNA position 1333, C replaced by T.
Protein change: p.Arg445Cys; replaces arginine 445 with cysteine.
Molecular consequence: missense variant.
Genome position (GRCh38, 1-based): chr3:93,884,887, G>A on the plus strand (C>T on the coding strand, the complement: PROS1 is on the minus strand). VCF-style: chr3-93884887-G-A. GRCh37 (hg19) VCF-style: chr3-93603731-G-A.
Other names: c.1429C>T, p.Arg477Cys (NM_001314077.2); short protein forms R477C, R445C.
Identifiers: ClinVar variation 2170788 (VCV002170788.1), dbSNP rs5017719, ClinGen allele CA2503203.